The following is an entry in ClinVar:

NM_198578.4(LRRK2):c.952C>T (p.Leu318Phe)

Gene: LRRK2 (leucine rich repeat kinase 2; plus strand). Cytogenetic location: 12q12.
Variant type: single nucleotide variant.
Coding change: c.952C>T on transcript NM_198578.4 (MANE Select); coding-DNA position 952, C replaced by T.
Protein change: p.Leu318Phe; replaces leucine 318 with phenylalanine.
Molecular consequence: missense variant.
Genome position (GRCh38, 1-based): chr12:40,249,939, C>T. VCF-style: chr12-40249939-C-T. GRCh37 (hg19) VCF-style: chr12-40643741-C-T.
Other names: short protein forms L318F.
Identifiers: ClinVar variation 1715230 (VCV001715230.5), dbSNP rs1259652933, ClinGen allele CA384407542.

ClinVar aggregate classification (germline): Uncertain significance (1 of 4 stars; one submission).

Conditions:
Autosomal dominant Parkinson disease 8. Also called: Parkinson disease 8, susceptibility to; LRRK2-Related Parkinson Disease; Parkinson disease 8. Identifiers: Orphanet 411602, MedGen C1846862, MONDO:0011764, OMIM 607060.

Allele frequency attached by ClinVar (database versions not stated): gnomAD exomes 0.00001.
gnomAD v4.1: 3 of 1,613,652 alleles (0.00019%); highest among the groups gnomAD compares: South Asian, 0.0022%; no homozygotes.

Submission:

Labcorp Genetics (formerly Invitae), Labcorp
Classification: Uncertain significance for Autosomal dominant Parkinson disease 8. Last evaluated: 2022-08-25. Review status: criteria provided, single submitter. Criteria: Invitae Variant Classification Sherloc (09022015). Collection method: clinical testing. Allele origin: germline.
Comment: This variant is present in population databases (no rsID available, gnomAD 0.003%). In summary, the available evidence is currently insufficient to determine the role of this variant in disease. Therefore, it has been classified as a Variant of Uncertain Significance. Algorithms developed to predict the effect of missense changes on protein structure and function are either unavailable or do not agree on the potential impact of this missense change (SIFT: "Deleterious"; PolyPhen-2: "Probably Damaging"; Align-GVGD: "Class C0"). This variant has not been reported in the literature in individuals affected with LRRK2-related conditions. This sequence change replaces leucine, which is neutral and non-polar, with phenylalanine, which is neutral and non-polar, at codon 318 of the LRRK2 protein (p.Leu318Phe).